The following is an entry in ClinVar:

ClinVar aggregate classification (germline): Uncertain significance (1 of 4 stars; one submission).

Conditions:
Immunodeficiency 14 (IMD14A). Also called: IMMUNODEFICIENCY 14A WITH LYMPHOPROLIFERATION, AUTOSOMAL DOMINANT; p110-DELTA-ACTIVATING MUTATION CAUSING SENESCENT T CELLS, LYMPHADENOPATHY, AND IMMUNODEFICIENCY; ACTIVATED PI3K-DELTA SYNDROME 1; Activated PI3K Delta Syndrome Type 1 (APDS1). Identifiers: Orphanet 397596, Orphanet 693661, MedGen C5907821, MONDO:0014222, OMIM 615513.

Submission:

Labcorp Genetics (formerly Invitae), Labcorp
Classification: Uncertain significance for Activated PI3K-delta syndrome. Last evaluated: 2024-11-30. Review status: criteria provided, single submitter. Criteria: Invitae Variant Classification Sherloc (09022015). Collection method: clinical testing. Allele origin: germline.
Comment: This variant, c.1333_1335del, results in the deletion of 1 amino acid(s) of the PIK3CD protein (p.Val445del), but otherwise preserves the integrity of the reading frame. This variant is not present in population databases (gnomAD no frequency). This variant has not been reported in the literature in individuals affected with PIK3CD-related conditions. Experimental studies and prediction algorithms are not available or were not evaluated, and the functional significance of this variant is currently unknown. In summary, the available evidence is currently insufficient to determine the role of this variant in disease. Therefore, it has been classified as a Variant of Uncertain Significance.

NM_005026.5(PIK3CD):c.1333_1335del (p.Val445del)

Genes: PIK3CD (phosphatidylinositol-4,5-bisphosphate 3-kinase catalytic subunit delta; plus strand), LOC126805612 (MED14-independent group 3 enhancer GRCh37_chr1:9778914-9780113; plus strand). Cytogenetic location: 1p36.22.
Variant type: Deletion.
Coding change: c.1333_1335del on transcript NM_005026.5 (MANE Select); coding-DNA positions 1333 to 1335, 3 bases deleted (GTC; older notation c.1333_1335delGTC).
Protein change: p.Val445del; deletes valine 445.
Genome position (GRCh38, 1-based): chr1:9,720,011-9,720,013, GTC deleted; deleting any 3 consecutive bases within chr1:9,720,010-9,720,013 gives the same sequence; the c. name uses the placement nearest the transcript's 3' end. VCF-style (leftmost placement, unchanged base first): chr1-9720009-CCGT-C. GRCh37 (hg19) VCF-style: chr1-9780067-CCGT-C.
Other names: c.1333_1335del, p.Val445del (NM_001350234.2); c.1246_1248del, p.Val416del (NM_001350235.1); short protein forms V445del, V416del.
Identifiers: ClinVar variation 3726398 (VCV003726398.2).